The following is an entry in ClinVar:

ClinVar aggregate classification (germline): Uncertain significance. Review status: criteria provided, multiple submitters, no conflicts (2 of 4 stars). 2 submissions from 2 submitters: Uncertain significance (2). Last evaluated 2026-07-12.

Conditions:
Hereditary cancer-predisposing syndrome. Also called: Tumor predisposition; Hereditary neoplastic syndrome; Hereditary Cancer Syndrome; Neoplastic Syndromes, Hereditary. Identifiers: Orphanet 140162, MedGen C0027672, MeSH D009386, MONDO:0015356.
Renal cell carcinoma. Identifiers: Orphanet 217071, MedGen C0007134, MeSH D002292, MONDO:0005086, HP:0005584.

gnomAD v4.1: 1 of 1,613,800 alleles (0.000062%); highest among the groups gnomAD compares: Non-Finnish European, 0.000085%; no homozygotes.

Submissions (2):

Ambry Genetics
Classification: Uncertain significance for Hereditary cancer-predisposing syndrome. Last evaluated: 2026-07-12. Review status: criteria provided, single submitter. Criteria: Ambry Variant Classification Scheme 2023. Collection method: clinical testing. Allele origin: germline.
Comment: The p.Q944P variant (also known as c.2831A>C), located in coding exon 12 of the MET gene, results from an A to C substitution at nucleotide position 2831. The glutamine at codon 944 is replaced by proline, an amino acid with similar properties. This amino acid position is conserved. In addition, this alteration is predicted to be tolerated by in silico analysis. Based on the available evidence, the clinical significance of this variant remains unclear.

Labcorp Genetics (formerly Invitae), Labcorp
Classification: Uncertain significance for Renal cell carcinoma. Last evaluated: 2024-07-02. Review status: criteria provided, single submitter. Criteria: Invitae Variant Classification Sherloc (09022015). Collection method: clinical testing. Allele origin: germline.
Comment: This sequence change replaces glutamine, which is neutral and polar, with proline, which is neutral and non-polar, at codon 944 of the MET protein (p.Gln944Pro). This variant is not present in population databases (gnomAD no frequency). This variant has not been reported in the literature in individuals affected with MET-related conditions. Advanced modeling of protein sequence and biophysical properties (such as structural, functional, and spatial information, amino acid conservation, physicochemical variation, residue mobility, and thermodynamic stability) performed at Invitae indicates that this missense variant is not expected to disrupt MET protein function with a negative predictive value of 80%. In summary, the available evidence is currently insufficient to determine the role of this variant in disease. Therefore, it has been classified as a Variant of Uncertain Significance.

NM_000245.4(MET):c.2777A>C (p.Gln926Pro)

Gene: MET (MET proto-oncogene, receptor tyrosine kinase; plus strand). Cytogenetic location: 7q31.2.
Variant type: single nucleotide variant.
Coding change: c.2777A>C on transcript NM_000245.4 (MANE Select); coding-DNA position 2777, A replaced by C.
Protein change: p.Gln926Pro; replaces glutamine 926 with proline.
Molecular consequence: missense variant.
Genome position (GRCh38, 1-based): chr7:116,771,544, A>C. VCF-style: chr7-116771544-A-C. GRCh37 (hg19) VCF-style: chr7-116411598-A-C.
Other names: c.2831A>C, p.Gln944Pro (NM_001127500.3); c.1487A>C, p.Gln496Pro (NM_001324402.2); short protein forms Q944P, Q496P, Q926P.
Identifiers: ClinVar variation 3725149 (VCV003725149.3).